The following is an entry in ClinVar:

ClinVar aggregate classification (germline): Uncertain significance (1 of 4 stars; one submission).

Conditions:
Congenital myasthenic syndrome 8. Also called: MYASTHENIC SYNDROME, CONGENITAL, DUE TO AGRIN DEFICIENCY; Myasthenic syndrome, congenital, 8, with pre- and postsynaptic defects. Identifiers: Orphanet 590, MedGen C3808739, MONDO:0014052, OMIM 615120.

Submission:

Labcorp Genetics (formerly Invitae), Labcorp
Classification: Uncertain significance for Congenital myasthenic syndrome 8. Last evaluated: 2024-10-10. Review status: criteria provided, single submitter. Criteria: Invitae Variant Classification Sherloc (09022015). Collection method: clinical testing. Allele origin: germline.
Comment: This sequence change replaces alanine, which is neutral and non-polar, with valine, which is neutral and non-polar, at codon 486 of the AGRN protein (p.Ala486Val). This variant is not present in population databases (gnomAD no frequency). This variant has not been reported in the literature in individuals affected with AGRN-related conditions. ClinVar contains an entry for this variant (Variation ID: 861080). An algorithm developed to predict the effect of missense changes on protein structure and function (PolyPhen-2) suggests that this variant is likely to be disruptive. In summary, the available evidence is currently insufficient to determine the role of this variant in disease. Therefore, it has been classified as a Variant of Uncertain Significance.

NM_198576.4(AGRN):c.1457C>T (p.Ala486Val)

Gene: AGRN (agrin; plus strand). Cytogenetic location: 1p36.33.
Variant type: single nucleotide variant.
Coding change: c.1457C>T on transcript NM_198576.4 (MANE Select); coding-DNA position 1457, C replaced by T.
Protein change: p.Ala486Val; replaces alanine 486 with valine.
Molecular consequence: missense variant.
Genome position (GRCh38, 1-based): chr1:1,043,311, C>T. VCF-style: chr1-1043311-C-T. GRCh37 (hg19) VCF-style: chr1-978691-C-T.
Other names: c.1457C>T, p.Ala486Val (NM_001305275.2); c.1142C>T, p.Ala381Val (NM_001364727.2); short protein forms A486V, A381V.
Identifiers: ClinVar variation 861080 (VCV000861080.9), dbSNP rs1644996879, ClinGen allele CA337830669.